The following is an entry in ClinVar:

NC_000023.11:g.(?_133536124)_(133536303_?)dup

Gene: GPC3 (glypican 3; minus strand). Cytogenetic location: Xq26.2.
Variant type: Duplication.
Identifiers: ClinVar variation 830395 (VCV000830395.8).

ClinVar aggregate classification (germline): Uncertain significance (1 of 4 stars; one submission).

Conditions:
Wilms tumor 1 (WT1). Also called: Wilms tumor, somatic. Identifiers: Orphanet 654, MedGen CN033288, MONDO:0008679, OMIM 194070.

Submission:

Labcorp Genetics (formerly Invitae), Labcorp
Classification: Uncertain significance for Wilms tumor 1. Last evaluated: 2022-07-18. Review status: criteria provided, single submitter. Criteria: Invitae Variant Classification Sherloc (09022015). Collection method: clinical testing. Allele origin: germline.
Comment: This variant results in a copy number gain of the genomic region encompassing exon 8 of the GPC3 gene. This region includes the termination codon of the gene. This copy number gain extends beyond the assayed region for this gene and therefore may encompass additional genes. As the precise location of this event is unknown, it may be in tandem or it may be located elsewhere in the genome. This variant has not been reported in the literature in individuals affected with GPC3-related conditions. In summary, the available evidence is currently insufficient to determine the role of this variant in disease. Therefore, it has been classified as a Variant of Uncertain Significance.